The following is an entry in ClinVar:

ClinVar aggregate classification (germline): Uncertain significance (1 of 4 stars; one submission).

gnomAD v4.1: 7 of 1,612,820 alleles (0.00043%); highest among the groups gnomAD compares: East Asian, 0.016%; 1 homozygote.

Submission:

Athena Diagnostics
Classification: Uncertain significance. Last evaluated: 2023-11-01. Review status: criteria provided, single submitter. Criteria: Athena Diagnostics Criteria. Collection method: clinical testing. Allele origin: unknown.
Comment: Available data are insufficient to determine the clinical significance of the variant at this time. This variant has not been reported in large, multi-ethnic general populations. This variant has been seen where an alternate explanation for disease was also identified, suggesting this variant may not cause disease. Computational tools disagree on the variant's effect on normal protein function.

Literature cited by the submitters: PubMed 23103419.

NM_001127222.2(CACNA1A):c.1412A>G (p.Lys471Arg)

Gene: CACNA1A (calcium voltage-gated channel subunit alpha1 A; minus strand). Cytogenetic location: 19p13.13.
Variant type: single nucleotide variant.
Coding change: c.1412A>G on transcript NM_001127222.2 (MANE Select); coding-DNA position 1412, A replaced by G.
Protein change: p.Lys471Arg; replaces lysine 471 with arginine.
Molecular consequence: missense variant.
Genome position (GRCh38, 1-based): chr19:13,317,255, T>C on the plus strand (A>G on the coding strand, the complement: CACNA1A is on the minus strand). VCF-style: chr19-13317255-T-C. GRCh37 (hg19) VCF-style: chr19-13428069-T-C.
Other names: c.1415A>G, p.Lys472Arg (NM_000068.4, NM_001127221.2, NM_001174080.2 and 1 more transcripts); short protein forms K471R, K472R.
Identifiers: ClinVar variation 3571613 (VCV003571613.1).